The following is an entry in ClinVar:

ClinVar aggregate classification (germline): Conflicting classifications of pathogenicity. Review status: criteria provided, conflicting classifications (1 of 4 stars). 4 submissions from 4 submitters: Uncertain significance (3); Likely benign (1). Last evaluated 2025-03-25.

Conditions:
Inborn genetic diseases. Identifiers: MedGen C0950123, MeSH D030342.
Autosomal recessive limb-girdle muscular dystrophy type 2Q (LGMDR17). Also called: MUSCULAR DYSTROPHY, LIMB-GIRDLE, AUTOSOMAL RECESSIVE 17. Identifiers: Orphanet 254361, MedGen C3150989, MONDO:0013390, OMIM 613723.
Epidermolysis bullosa simplex 5C, with pyloric atresia (EBS5C). Also called: Epidermolysis bullosa simplex with pyloric atresia; PLEC-Related Epidermolysis Bullosa with Pyloric Atresia; PLEC1-Related Epidermolysis Bullosa with Pyloric Atresia. Identifiers: Orphanet 158684, MedGen C2677349, MONDO:0012807, OMIM 612138.
Epidermolysis bullosa simplex 5B, with muscular dystrophy (EBS5B). Also called: EPIDERMOLYSIS BULLOSA SIMPLEX AND LIMB-GIRDLE MUSCULAR DYSTROPHY; Epidermolysis bullosa simplex with muscular dystrophy. Identifiers: Orphanet 257, MedGen C2931072, MONDO:0009181, OMIM 226670.
Epidermolysis bullosa simplex with nail dystrophy (EBS5D). Identifiers: MedGen C4225309, MONDO:0014661, OMIM 616487.
Epidermolysis bullosa simplex, Ogna type (EBS5A). Also called: Pidermolysis bullosa simplex 5A, Ogna type; EPIDERMOLYSIS BULLOSA SIMPLEX 5A, OGNA TYPE. Identifiers: Orphanet 79401, MedGen C0432317, MONDO:0007555, OMIM 131950.

Allele frequency attached by ClinVar (database versions not stated): gnomAD exomes 0.00001; TOPMed 0.00003; ExAC 0.00004; gnomAD 0.00004 and 0.00005; ESP Exome Variant Server 0.00017.
gnomAD v4.1: 20 of 1,609,302 alleles (0.0012%); highest among the groups gnomAD compares: Admixed American, 0.005%; 1 homozygote.

Submissions (4):

Revvity Omics, Revvity
Classification: Uncertain significance. Last evaluated: 2025-03-25. Review status: criteria provided, single submitter. Criteria: ACMG Guidelines, 2015. Collection method: clinical testing. Allele origin: germline.

Labcorp Genetics (formerly Invitae), Labcorp
Classification: Uncertain significance for Autosomal recessive limb-girdle muscular dystrophy type 2Q; Epidermolysis bullosa simplex, Ogna type; Epidermolysis bullosa simplex with nail dystrophy; Epidermolysis bullosa simplex 5C, with pyloric atresia; Epidermolysis bullosa simplex 5B, with muscular dystrophy. Last evaluated: 2023-05-15. Review status: criteria provided, single submitter. Criteria: Invitae Variant Classification Sherloc (09022015). Collection method: clinical testing. Allele origin: germline.
Comment: In summary, the available evidence is currently insufficient to determine the role of this variant in disease. Therefore, it has been classified as a Variant of Uncertain Significance. An algorithm developed to predict the effect of missense changes on protein structure and function (PolyPhen-2) suggests that this variant is likely to be disruptive. ClinVar contains an entry for this variant (Variation ID: 507049). This variant has not been reported in the literature in individuals affected with PLEC-related conditions. This variant is present in population databases (rs368803763, gnomAD 0.006%). This sequence change replaces alanine, which is neutral and non-polar, with valine, which is neutral and non-polar, at codon 3791 of the PLEC protein (p.Ala3791Val).

Ambry Genetics
Classification: Uncertain significance for Inborn genetic diseases. Last evaluated: 2022-11-17. Review status: criteria provided, single submitter. Criteria: Ambry Variant Classification Scheme 2023. Collection method: clinical testing. Allele origin: germline.

GeneDx
Classification: Likely benign. Last evaluated: 2017-02-03. Review status: criteria provided, single submitter. Criteria: GeneDx Variant Classification (06012015). Collection method: clinical testing. Allele origin: germline. Affected: yes.
Comment: This variant is considered likely benign or benign based on one or more of the following criteria: it is a conservative change, it occurs at a poorly conserved position in the protein, it is predicted to be benign by multiple in silico algorithms, and/or has population frequency not consistent with disease.

NM_201384.3(PLEC):c.11291C>T (p.Ala3764Val)

Gene: PLEC (plectin; minus strand). Cytogenetic location: 8q24.3.
Variant type: single nucleotide variant.
Coding change: c.11291C>T on transcript NM_201384.3 (MANE Select); coding-DNA position 11291, C replaced by T.
Protein change: p.Ala3764Val; replaces alanine 3764 with valine.
Molecular consequence: missense variant.
Genome position (GRCh38, 1-based): chr8:143,918,530, G>A on the plus strand (C>T on the coding strand, the complement: PLEC is on the minus strand). VCF-style: chr8-143918530-G-A. GRCh37 (hg19) VCF-style: chr8-144992698-G-A.
Other names: c.11372C>T, p.Ala3791Val (NM_000445.5); c.11249C>T, p.Ala3750Val (NM_201378.4); c.11225C>T, p.Ala3742Val (NM_201379.3); c.11702C>T, p.Ala3901Val (NM_201380.4); c.11195C>T, p.Ala3732Val (NM_201381.3); c.11291C>T, p.Ala3764Val (NM_201382.4); c.11303C>T, p.Ala3768Val (NM_201383.3); short protein forms A3732V, A3742V, A3750V, A3764V, A3768V, A3791V, A3901V.
Identifiers: ClinVar variation 507049 (VCV000507049.13), dbSNP rs368803763, ClinGen allele CA4924389.